The following is an entry in ClinVar:

ClinVar aggregate classification (germline): Likely pathogenic (1 of 4 stars; one submission).

Conditions:
X-linked osteoporosis with fractures. Identifiers: Orphanet 391330, MedGen C5190610, MONDO:0018315.

Submission:

Molecular Genetics, Royal Melbourne Hospital
Classification: Likely pathogenic for X-linked osteoporosis with fractures. Last evaluated: 2022-03-03. Review status: criteria provided, single submitter. Criteria: ACMG Guidelines, 2015. Collection method: clinical testing. Allele origin: germline. Affected: yes.
Comment: This sequence change in PLS3 is a frameshift variant predicted to cause a premature stop codon, p.(Arg398Profs*2), in biologically-relevant-exon 11/16 leading to nonsense mediated decay in a gene in which loss-of-function is an established disease mechanism (PMID: 24088043). This variant is absent from gnomAD v2.1 and v3.1. To our knowledge, this variant has not been reported in the literature in any individuals with PLS3-related conditions. Based on the classification scheme RMH Modified ACMG Guidelines v1.5.1, this variant is classified as LIKELY PATHOGENIC. Following criteria are met: PVS1, PM2_Supporting.

Literature cited by the submitters: PubMed 24088043.

NM_005032.7(PLS3):c.1192dup (p.Arg398fs)

Gene: PLS3 (plastin 3; plus strand). Cytogenetic location: Xq23.
Variant type: Duplication.
Coding change: c.1192dup on transcript NM_005032.7 (MANE Select); coding-DNA position 1192, one base duplicated (C; older notation c.1192dupC).
Protein change: p.Arg398fs; shifts the reading frame from arginine 398.
Molecular consequence: frameshift variant.
Genome position (GRCh38, 1-based): chrX:115,645,029, C duplicated. VCF-style (leftmost placement, unchanged base first): chrX-115645028-T-TC. GRCh37 (hg19) VCF-style: chrX-114879348-T-TC.
Other names: c.1192dup, p.Arg398fs (NM_001136025.5); c.1111dup, p.Arg371fs (NM_001172335.3); c.1153dup, p.Arg385fs (NM_001282337.2); c.1057dup, p.Arg353fs (NM_001282338.2); c.1192dupC (NM_005032.7); short protein forms R353fs, R371fs, R385fs, R398fs.
Identifiers: ClinVar variation 3068633 (VCV003068633.1), dbSNP rs2521534355, ClinGen allele CA2573051252.